The following is an entry in ClinVar:

NM_177438.3(DICER1):c.3985A>T (p.Thr1329Ser)

Gene: DICER1 (dicer 1, ribonuclease III; minus strand). Cytogenetic location: 14q32.13.
Variant type: single nucleotide variant.
Coding change: c.3985A>T on transcript NM_177438.3 (MANE Select); coding-DNA position 3985, A replaced by T.
Protein change: p.Thr1329Ser; replaces threonine 1329 with serine.
Molecular consequence: missense variant. On other transcripts: non-coding transcript variant (6).
Genome position (GRCh38, 1-based): chr14:95,103,411, T>A on the plus strand (A>T on the coding strand, the complement: DICER1 is on the minus strand). VCF-style: chr14-95103411-T-A. GRCh37 (hg19) VCF-style: chr14-95569748-T-A.
Other names: c.3985A>T, p.Thr1329Ser (NM_001395678.1, NM_001395679.1, NM_001395680.1 and 12 more transcripts); c.3580A>T, p.Thr1194Ser (NM_001395689.1, NM_001395688.1, NM_001395696.1 and 2 more transcripts); c.2302A>T, p.Thr768Ser (NM_001395697.1); c.3418A>T, p.Thr1140Ser (NM_001395691.1); c.3703A>T, p.Thr1235Ser (NM_001395686.1); short protein forms T1140S, T1194S, T1329S, T1235S, T768S.
Identifiers: ClinVar variation 4011596 (VCV004011596.1).

ClinVar aggregate classification (germline): Uncertain significance (1 of 4 stars; one submission).

Conditions:
Hereditary cancer-predisposing syndrome. Also called: Tumor predisposition; Hereditary neoplastic syndrome; Neoplastic Syndromes, Hereditary; Hereditary Cancer Syndrome. Identifiers: Orphanet 140162, MedGen C0027672, MeSH D009386, MONDO:0015356.

Submission:

Ambry Genetics
Classification: Uncertain significance for Hereditary cancer-predisposing syndrome. Last evaluated: 2025-03-22. Review status: criteria provided, single submitter. Criteria: Ambry Variant Classification Scheme 2023. Collection method: clinical testing. Allele origin: germline.
Comment: The p.T1329S variant (also known as c.3985A>T), located in coding exon 20 of the DICER1 gene, results from an A to T substitution at nucleotide position 3985. The threonine at codon 1329 is replaced by serine, an amino acid with similar properties. This amino acid position is conserved. In addition, the in silico prediction for this alteration is inconclusive. Based on the available evidence, the clinical significance of this variant remains unclear.